The following is an entry in ClinVar:

NM_015164.4(PLEKHM2):c.1091C>T (p.Ser364Leu)

Gene: PLEKHM2 (pleckstrin homology and RUN domain containing M2; plus strand). Cytogenetic location: 1p36.21.
Variant type: single nucleotide variant.
Coding change: c.1091C>T on transcript NM_015164.4 (MANE Select); coding-DNA position 1091, C replaced by T.
Protein change: p.Ser364Leu; replaces serine 364 with leucine.
Molecular consequence: missense variant.
Genome position (GRCh38, 1-based): chr1:15,727,163, C>T. VCF-style: chr1-15727163-C-T. GRCh37 (hg19) VCF-style: chr1-16053658-C-T.
Other names: short protein forms S364L.
Identifiers: ClinVar variation 939362 (VCV000939362.10), dbSNP rs375548142, ClinGen allele CA616851.

ClinVar aggregate classification (germline): Uncertain significance. Review status: criteria provided, multiple submitters, no conflicts (2 of 4 stars). 2 submissions from 2 submitters: Uncertain significance (2). Last evaluated 2025-05-13.

Allele frequency attached by ClinVar (database versions not stated): gnomAD 0.00001; gnomAD exomes 0.00001 and 0.00004; TOPMed 0.00001; ExAC 0.00003; ESP Exome Variant Server 0.00016.
gnomAD v4.1: 56 of 1,601,108 alleles (0.0035%); highest among the groups gnomAD compares: Non-Finnish European, 0.0044%; no homozygotes.

Submissions (2):

Labcorp Genetics (formerly Invitae), Labcorp
Classification: Uncertain significance. Last evaluated: 2025-05-13. Review status: criteria provided, single submitter. Criteria: Invitae Variant Classification Sherloc (09022015). Collection method: clinical testing. Allele origin: germline.
Comment: This sequence change replaces serine, which is neutral and polar, with leucine, which is neutral and non-polar, at codon 364 of the PLEKHM2 protein (p.Ser364Leu). This variant is present in population databases (rs375548142, gnomAD 0.003%). This variant has not been reported in the literature in individuals affected with PLEKHM2-related conditions. ClinVar contains an entry for this variant (Variation ID: 939362). An algorithm developed to predict the effect of missense changes on protein structure and function outputs the following: PolyPhen-2: "Benign". The leucine amino acid residue is found in multiple mammalian species, which suggests that this missense change does not adversely affect protein function. In summary, the available evidence is currently insufficient to determine the role of this variant in disease. Therefore, it has been classified as a Variant of Uncertain Significance.

Ambry Genetics
Classification: Uncertain significance. Last evaluated: 2024-09-03. Review status: criteria provided, single submitter. Criteria: Ambry Variant Classification Scheme 2023. Collection method: clinical testing. Allele origin: germline.